The following is an entry in ClinVar:

ClinVar aggregate classification (germline): Uncertain significance. Review status: criteria provided, multiple submitters, no conflicts (2 of 4 stars). 2 submissions from 2 submitters: Uncertain significance (2). Last evaluated 2019-10-14.

Conditions:
Autosomal recessive ataxia, Beauce type. Also called: Spinocerebellar ataxia, autosomal recessive 8; ATAXIA, RECESSIVE, OF BEAUCE; SYNE1-Related Autosomal Recessive Cerebellar Ataxia; SYNE1 Deficiency. Identifiers: Orphanet 88644, MedGen C1853116, MONDO:0012549, OMIM 610743.
Emery-Dreifuss muscular dystrophy 4, autosomal dominant (EDMD4). Also called: EMERY-DREIFUSS MUSCULAR DYSTROPHY 4 WITH VARIABLE FEATURES. Identifiers: Orphanet 261, MedGen C2751807, MONDO:0013071, OMIM 612998.

Allele frequency attached by ClinVar (database versions not stated): gnomAD 0.00001 and 0.00003; gnomAD exomes 0.00003 and 0.00006; TOPMed 0.00004; ExAC 0.00005; 1000 Genomes Project 30x 0.00016; 1000 Genomes Project 0.00020.
gnomAD v4.1: 57 of 1,614,132 alleles (0.0035%); highest among the groups gnomAD compares: South Asian, 0.026%; 1 homozygote.

Submissions (2):

Athena Diagnostics
Classification: Uncertain significance. Last evaluated: 2019-10-14. Review status: criteria provided, single submitter. Criteria: Athena Diagnostics Criteria. Collection method: clinical testing. Allele origin: unknown.

Labcorp Genetics (formerly Invitae), Labcorp
Classification: Uncertain significance for Emery-Dreifuss muscular dystrophy 4, autosomal dominant; Spinocerebellar ataxia, autosomal recessive 8. Last evaluated: 2019-09-20. Review status: criteria provided, single submitter. Criteria: Invitae Variant Classification Sherloc (09022015). Collection method: clinical testing. Allele origin: germline.
Comment: This sequence change replaces glutamic acid with lysine at codon 4448 of the SYNE1 protein (p.Glu4448Lys). The glutamic acid residue is highly conserved and there is a small physicochemical difference between glutamic acid and lysine. This variant is present in population databases (rs571224180, ExAC 0.03%). This variant has not been reported in the literature in individuals with SYNE1-related conditions. Algorithms developed to predict the effect of missense changes on protein structure and function are either unavailable or do not agree on the potential impact of this missense change (SIFT: "Deleterious"; PolyPhen-2: "Possibly Damaging"; Align-GVGD: "Class C15"). In summary, the available evidence is currently insufficient to determine the role of this variant in disease. Therefore, it has been classified as a Variant of Uncertain Significance.

NM_182961.4(SYNE1):c.13555G>A (p.Glu4519Lys)

Gene: SYNE1 (spectrin repeat containing nuclear envelope protein 1; minus strand). Cytogenetic location: 6q25.2.
Variant type: single nucleotide variant.
Coding change: c.13555G>A on transcript NM_182961.4 (MANE Select); coding-DNA position 13555, G replaced by A.
Protein change: p.Glu4519Lys; replaces glutamic acid 4519 with lysine.
Molecular consequence: missense variant.
Genome position (GRCh38, 1-based): chr6:152,331,130, C>T on the plus strand (G>A on the coding strand, the complement: SYNE1 is on the minus strand). VCF-style: chr6-152331130-C-T. GRCh37 (hg19) VCF-style: chr6-152652265-C-T.
Other names: c.13342G>A, p.Glu4448Lys (NM_033071.5); short protein forms E4448K, E4519K.
Identifiers: ClinVar variation 961810 (VCV000961810.2), dbSNP rs571224180, ClinGen allele CA4056158.
Genomic context (GRCh38, chr6:152,331,130, plus strand): 5'-ATTCCTGAAGCTTCCCCAGCACTTCACTCTTTTCCTGCTCTGTGACTTCCTTCATTAGTT[C>T]GCGACCCTGGGCCCAAAGTCCAGTGACTTCATTTTGGTAAGTCTTGAGGCTGGCTTGTGC-3'
Protein context (NP_892006.3, residues 4509-4529): EVTGLWAQGR[Glu4519Lys]LMKEVTEQEK